The following is an entry in ClinVar:

ClinVar aggregate classification (germline): Uncertain significance (1 of 4 stars; one submission).

Submission:

GeneDx
Classification: Uncertain significance. Last evaluated: 2025-06-27. Review status: criteria provided, single submitter. Criteria: GeneDx Variant Classification Process June 2021. Collection method: clinical testing. Allele origin: germline. Affected: yes.
Comment: Not observed at significant frequency in large population cohorts (gnomAD); In silico analysis supports that this missense variant has a deleterious effect on protein structure/function; Has not been previously published as pathogenic or benign to our knowledge

NM_020822.3(KCNT1):c.2494A>G (p.Asn832Asp)

Gene: KCNT1 (potassium sodium-activated channel subfamily T member 1; plus strand). Cytogenetic location: 9q34.3.
Variant type: single nucleotide variant.
Coding change: c.2494A>G on transcript NM_020822.3 (MANE Select); coding-DNA position 2494, A replaced by G.
Protein change: p.Asn832Asp; replaces asparagine 832 with aspartic acid.
Molecular consequence: missense variant.
Genome position (GRCh38, 1-based): chr9:135,777,482, A>G. VCF-style: chr9-135777482-A-G. GRCh37 (hg19) VCF-style: chr9-138669328-A-G.
Other names: c.2359A>G, p.Asn787Asp (NM_001272003.2); short protein forms N787D, N832D.
Identifiers: ClinVar variation 4539904 (VCV004539904.1).
Genomic context (GRCh38, chr9:135,777,482, plus strand): 5'-AATGGGCTGTACAACTTCATCGTGCCACTGCGGGCCTACTACAGATCCCGCAAGGAGCTG[A>G]ACCCCATCGTGCTGCTGCTGGACAACAAGTGAGGCTCCTGGGGCTCAGCCCACCCCGCCC-3'
Protein context (NP_065873.2, residues 822-842): RAYYRSRKEL[Asn832Asp]PIVLLLDNKP